The following is an entry in ClinVar:

ClinVar aggregate classification (germline): Uncertain significance (1 of 4 stars; one submission).

Submission:

Women's Health and Genetics/Laboratory Corporation of America, LabCorp
Classification: Uncertain significance. Last evaluated: 2024-11-19. Review status: criteria provided, single submitter. Criteria: LabCorp Variant Classification Summary - May 2015. Collection method: clinical testing. Allele origin: germline.
Comment: Variant summary: ABCA7 c.2543C>A (p.Thr848Asn) results in a non-conservative amino acid change located in the ATP-binding cassette, ABC transporter-type domain of the encoded protein sequence. Five of five in-silico tools predict a damaging effect of the variant on protein function. The variant allele was found at a frequency of 4.3e-06 in 231070 control chromosomes. The available data on variant occurrences in the general population are insufficient to allow any conclusion about variant significance. To our knowledge, no occurrence of c.2543C>A in individuals affected with Alzheimer Disease, Type 9 and no experimental evidence demonstrating its impact on protein function have been reported. No submitters have cited clinical-significance assessments for this variant to ClinVar. Based on the evidence outlined above, the variant was classified as uncertain significance.

NM_019112.4(ABCA7):c.2543C>A (p.Thr848Asn)

Gene: ABCA7 (ATP binding cassette subfamily A member 7; plus strand). Cytogenetic location: 19p13.3.
Variant type: single nucleotide variant.
Coding change: c.2543C>A on transcript NM_019112.4 (MANE Select); coding-DNA position 2543, C replaced by A.
Protein change: p.Thr848Asn; replaces threonine 848 with asparagine.
Molecular consequence: missense variant.
Genome position (GRCh38, 1-based): chr19:1,049,428, C>A. VCF-style: chr19-1049428-C-A. GRCh37 (hg19) VCF-style: chr19-1049427-C-A.
Other names: short protein forms T848N.
Identifiers: ClinVar variation 3629983 (VCV003629983.1).